The following is an entry in ClinVar:

NM_000368.5(TSC1):c.2662C>A (p.Leu888Ile)

Gene: TSC1 (TSC complex subunit 1; minus strand). Cytogenetic location: 9q34.13.
Variant type: single nucleotide variant.
Coding change: c.2662C>A on transcript NM_000368.5 (MANE Select); coding-DNA position 2662, C replaced by A.
Protein change: p.Leu888Ile; replaces leucine 888 with isoleucine.
Molecular consequence: missense variant. On other transcripts: non-coding transcript variant (5).
Genome position (GRCh38, 1-based): chr9:132,897,574, G>T on the plus strand (C>A on the coding strand, the complement: TSC1 is on the minus strand). VCF-style: chr9-132897574-G-T. GRCh37 (hg19) VCF-style: chr9-135772961-G-T.
Other names: c.2659C>A, p.Leu887Ile (NM_001406597.1, NM_001406598.1, NM_001406599.1 and 2 more transcripts); c.2647C>A, p.Leu883Ile (NM_001406601.1, NM_001406602.1); c.2644C>A, p.Leu882Ile (NM_001406603.1, NM_001406604.1); c.2620C>A, p.Leu874Ile (NM_001406605.1, NM_001406606.1, NM_001406607.1); c.2299C>A, p.Leu767Ile (NM_001406616.1, NM_001406617.1, NM_001406618.1 and 4 more transcripts); c.2296C>A, p.Leu766Ile (NM_001406620.1, NM_001406621.1, NM_001406622.1 and 1 more transcripts); c.2257C>A, p.Leu753Ile (NM_001406624.1); c.2254C>A, p.Leu752Ile (NM_001406625.1); and 8 more; short protein forms L753I, L887I, L888I, L537I, L766I, L822I, L883I, L752I.
Identifiers: ClinVar variation 5031182 (VCV005031182.1).

ClinVar aggregate classification (germline): Uncertain significance (1 of 4 stars; one submission).

Conditions:
Hereditary cancer-predisposing syndrome. Also called: Neoplastic Syndromes, Hereditary; Tumor predisposition; Hereditary neoplastic syndrome; Hereditary Cancer Syndrome. Identifiers: Orphanet 140162, MedGen C0027672, MeSH D009386, MONDO:0015356.

Submission:

Ambry Genetics
Classification: Uncertain significance for Hereditary cancer-predisposing syndrome. Last evaluated: 2026-06-28. Review status: criteria provided, single submitter. Criteria: Ambry Variant Classification Scheme 2023. Collection method: clinical testing. Allele origin: germline.
Comment: The p.L888I variant (also known as c.2662C>A), located in coding exon 19 of the TSC1 gene, results from a C to A substitution at nucleotide position 2662. The leucine at codon 888 is replaced by isoleucine, an amino acid with highly similar properties. This amino acid position is conserved. In addition, this alteration is predicted to be tolerated by in silico analysis. Based on the available evidence, the clinical significance of this variant remains unclear.